The following is an entry in ClinVar:

ClinVar aggregate classification (germline): Uncertain significance (1 of 4 stars; one submission).

Conditions:
Bethlem myopathy 1A. Also called: Bethlem myopathy 1; MYOPATHY, BENIGN CONGENITAL, WITH CONTRACTURES; Bethlem Muscular Dystrophy. Identifiers: Orphanet 610, MedGen CN029274, MONDO:0024530, OMIM 158810.

Allele frequency attached by ClinVar (database versions not stated): gnomAD exomes below 0.00001; TOPMed below 0.00001; ExAC 0.00001.
gnomAD v4.1: 2 of 1,613,570 alleles (0.00012%); highest among the groups gnomAD compares: Admixed American, 0.0033%; no homozygotes.

Submission:

Labcorp Genetics (formerly Invitae), Labcorp
Classification: Uncertain significance for Bethlem myopathy 1A. Last evaluated: 2025-03-31. Review status: criteria provided, single submitter. Criteria: Invitae Variant Classification Sherloc (09022015). Collection method: clinical testing. Allele origin: germline.
Comment: This sequence change replaces glutamic acid, which is acidic and polar, with glycine, which is neutral and non-polar, at codon 245 of the COL6A2 protein (p.Glu245Gly). This variant is present in population databases (rs779844371, gnomAD 0.009%). This variant has not been reported in the literature in individuals affected with COL6A2-related conditions. ClinVar contains an entry for this variant (Variation ID: 2844650). An algorithm developed to predict the effect of missense changes on protein structure and function (PolyPhen-2) suggests that this variant is likely to be tolerated. Algorithms developed to predict the effect of sequence changes on RNA splicing suggest that this variant may disrupt the consensus splice site. In summary, the available evidence is currently insufficient to determine the role of this variant in disease. Therefore, it has been classified as a Variant of Uncertain Significance.

NM_001849.4(COL6A2):c.734A>G (p.Glu245Gly)

Gene: COL6A2 (collagen type VI alpha 2 chain; plus strand). Cytogenetic location: 21q22.3.
Variant type: single nucleotide variant.
Coding change: c.734A>G on transcript NM_001849.4 (MANE Select); coding-DNA position 734, A replaced by G.
Protein change: p.Glu245Gly; replaces glutamic acid 245 with glycine.
Molecular consequence: missense variant.
Genome position (GRCh38, 1-based): chr21:46,112,823, A>G. VCF-style: chr21-46112823-A-G. GRCh37 (hg19) VCF-style: chr21-47532737-A-G.
Other names: c.734A>G, p.Glu245Gly (NM_058174.3, NM_058175.3); short protein forms E245G.
Identifiers: ClinVar variation 2844650 (VCV002844650.3), dbSNP rs779844371, ClinGen allele CA10071421.